The following is an entry in ClinVar:

ClinVar aggregate classification (germline): Uncertain significance (1 of 4 stars; one submission).

Conditions:
Hereditary cancer-predisposing syndrome. Also called: Neoplastic Syndromes, Hereditary; Tumor predisposition; Hereditary Cancer Syndrome; Hereditary neoplastic syndrome. Identifiers: Orphanet 140162, MedGen C0027672, MeSH D009386, MONDO:0015356.

Allele frequency attached by ClinVar (database versions not stated): gnomAD exomes below 0.00001; gnomAD 0.00001.
gnomAD v4.1: 4 of 1,610,516 alleles (0.00025%); highest among the groups gnomAD compares: African/African-American, 0.0027%; no homozygotes.

Submission:

Ambry Genetics
Classification: Uncertain significance for Hereditary cancer-predisposing syndrome. Last evaluated: 2025-08-01. Review status: criteria provided, single submitter. Criteria: Ambry Variant Classification Scheme 2023. Collection method: clinical testing. Allele origin: germline.
Comment: The p.P2165L variant (also known as c.6494C>T), located in coding exon 15 of the APC gene, results from a C to T substitution at nucleotide position 6494. The proline at codon 2165 is replaced by leucine, an amino acid with similar properties. This amino acid position is well conserved in available vertebrate species. In addition, in silico predictors for this gene do not accurately predict pathogenicity. Missense alterations in APC are not a common cause of disease (Spier I et al. Genet Med. 2024 Feb;26(2):100992). Based on the available evidence, the clinical significance of this variant remains unclear.

NM_000038.6(APC):c.6494C>T (p.Pro2165Leu)

Gene: APC (APC regulator of Wnt signaling pathway; plus strand). Cytogenetic location: 5q22.2.
Variant type: single nucleotide variant.
Coding change: c.6494C>T on transcript NM_000038.6 (MANE Select); coding-DNA position 6494, C replaced by T.
Protein change: p.Pro2165Leu; replaces proline 2165 with leucine.
Molecular consequence: missense variant.
Genome position (GRCh38, 1-based): chr5:112,842,088, C>T. VCF-style: chr5-112842088-C-T. GRCh37 (hg19) VCF-style: chr5-112177785-C-T.
Other names: c.6548C>T, p.Pro2183Leu (NM_001354896.2, NM_001407447.1, NM_001407448.1 and 1 more transcripts); c.6524C>T, p.Pro2175Leu (NM_001354897.2); c.6191C>T, p.Pro2064Leu (NM_001354903.2, NM_001407458.1, NM_001407459.1 and 1 more transcripts); c.6419C>T, p.Pro2140Leu (NM_001354898.2); c.6410C>T, p.Pro2137Leu (NM_001354899.2); c.6371C>T, p.Pro2124Leu (NM_001354900.2); c.6317C>T, p.Pro2106Leu (NM_001354901.2, NM_001407453.1); c.6221C>T, p.Pro2074Leu (NM_001354902.2); and 11 more; short protein forms P1882L, P2039L, P2074L, P2106L, P2124L, P2140L, P2165L, P2175L.
Identifiers: ClinVar variation 1753839 (VCV001753839.3), dbSNP rs1766228192, ClinGen allele CA16035545.